The following is an entry in ClinVar:

NM_000135.4(FANCA):c.2606A>G (p.Gln869Arg)

Genes: FANCA (FA complementation group A; minus strand), LOC130059837 (ATAC-STARR-seq lymphoblastoid active region 11420; plus strand). Cytogenetic location: 16q24.3.
Variant type: single nucleotide variant.
Coding change: c.2606A>G on transcript NM_000135.4 (MANE Select); coding-DNA position 2606, A replaced by G.
Protein change: p.Gln869Arg; replaces glutamine 869 with arginine.
Molecular consequence: missense variant.
Genome position (GRCh38, 1-based): chr16:89,765,062, T>C on the plus strand (A>G on the coding strand, the complement: FANCA is on the minus strand). VCF-style: chr16-89765062-T-C. GRCh37 (hg19) VCF-style: chr16-89831470-T-C.
Other names: c.2606A>G, p.Gln869Arg (NM_001286167.3); short protein forms Q869R.
Identifiers: ClinVar variation 3629716 (VCV003629716.1).

ClinVar aggregate classification (germline): Uncertain significance (1 of 4 stars; one submission).

Submission:

Women's Health and Genetics/Laboratory Corporation of America, LabCorp
Classification: Uncertain significance. Last evaluated: 2024-11-11. Review status: criteria provided, single submitter. Criteria: LabCorp Variant Classification Summary - May 2015. Collection method: clinical testing. Allele origin: germline.
Comment: Variant summary: FANCA c.2606A>G (p.Gln869Arg) results in a conservative amino acid change in the encoded protein sequence. Three of five in-silico tools predict a damaging effect of the variant on protein function. The variant was absent in 251330 control chromosomes. The available data on variant occurrences in the general population are insufficient to allow any conclusion about variant significance. To our knowledge, no occurrence of c.2606A>G in individuals affected with Fanconi Anemia and no experimental evidence demonstrating its impact on protein function have been reported. No submitters have cited clinical-significance assessments for this variant to ClinVar. Based on the evidence outlined above, the variant was classified as uncertain significance.